The following is an entry in ClinVar:

NM_002296.4(LBR):c.1430G>T (p.Ser477Ile)

Gene: LBR (lamin B receptor; minus strand). Cytogenetic location: 1q42.12.
Variant type: single nucleotide variant.
Coding change: c.1430G>T on transcript NM_002296.4 (MANE Select); coding-DNA position 1430, G replaced by T.
Protein change: p.Ser477Ile; replaces serine 477 with isoleucine.
Molecular consequence: missense variant.
Genome position (GRCh38, 1-based): chr1:225,406,717, C>A on the plus strand (G>T on the coding strand, the complement: LBR is on the minus strand). VCF-style: chr1-225406717-C-A. GRCh37 (hg19) VCF-style: chr1-225594419-C-A.
Other names: c.1430G>T, p.Ser477Ile (NM_194442.3); short protein forms S477I.
Identifiers: ClinVar variation 2800812 (VCV002800812.3), dbSNP rs371531855, ClinGen allele CA344994173.

ClinVar aggregate classification (germline): Uncertain significance (1 of 4 stars; one submission).

Submission:

Labcorp Genetics (formerly Invitae), Labcorp
Classification: Uncertain significance. Last evaluated: 2024-02-15. Review status: criteria provided, single submitter. Criteria: Invitae Variant Classification Sherloc (09022015). Collection method: clinical testing. Allele origin: germline.
Comment: This sequence change replaces serine, which is neutral and polar, with isoleucine, which is neutral and non-polar, at codon 477 of the LBR protein (p.Ser477Ile). This variant is not present in population databases (gnomAD no frequency). This variant has not been reported in the literature in individuals affected with LBR-related conditions. Advanced modeling of protein sequence and biophysical properties (such as structural, functional, and spatial information, amino acid conservation, physicochemical variation, residue mobility, and thermodynamic stability) performed at Invitae indicates that this missense variant is not expected to disrupt LBR protein function with a negative predictive value of 80%. In summary, the available evidence is currently insufficient to determine the role of this variant in disease. Therefore, it has been classified as a Variant of Uncertain Significance.